The following is an entry in ClinVar:

NM_017841.4(SDHAF2):c.254T>G (p.Leu85Arg)

Gene: SDHAF2 (succinate dehydrogenase complex assembly factor 2; plus strand). Cytogenetic location: 11q12.2.
Variant type: single nucleotide variant.
Coding change: c.254T>G on transcript NM_017841.4 (MANE Select); coding-DNA position 254, T replaced by G.
Protein change: p.Leu85Arg; replaces leucine 85 with arginine.
Molecular consequence: missense variant.
Genome position (GRCh38, 1-based): chr11:61,437,842, T>G. VCF-style: chr11-61437842-T-G. GRCh37 (hg19) VCF-style: chr11-61205314-T-G.
Other names: short protein forms L85R.
Identifiers: ClinVar variation 4161222 (VCV004161222.1).

ClinVar aggregate classification (germline): Uncertain significance (1 of 4 stars; one submission).

Conditions:
Hereditary cancer-predisposing syndrome. Also called: Neoplastic Syndromes, Hereditary; Tumor predisposition; Hereditary Cancer Syndrome; Hereditary neoplastic syndrome. Identifiers: Orphanet 140162, MedGen C0027672, MeSH D009386, MONDO:0015356.

Submission:

Ambry Genetics
Classification: Uncertain significance for Hereditary cancer-predisposing syndrome. Last evaluated: 2025-08-03. Review status: criteria provided, single submitter. Criteria: Ambry Variant Classification Scheme 2023. Collection method: clinical testing. Allele origin: germline.
Comment: The p.L85R variant (also known as c.254T>G), located in coding exon 2 of the SDHAF2 gene, results from a T to G substitution at nucleotide position 254. The leucine at codon 85 is replaced by arginine, an amino acid with dissimilar properties. This amino acid position is conserved. In addition, this alteration is predicted to be deleterious by in silico analysis. Based on the available evidence, the clinical significance of this variant remains unclear.